The following is an entry in ClinVar:

ClinVar aggregate classification (germline): Uncertain significance (1 of 4 stars; one submission).

Submission:

GeneDx
Classification: Uncertain significance. Last evaluated: 2023-07-10. Review status: criteria provided, single submitter. Criteria: GeneDx Variant Classification Process June 2021. Collection method: clinical testing. Allele origin: germline. Affected: yes.
Comment: Not observed at significant frequency in large population cohorts (gnomAD); In silico analysis supports that this missense variant does not alter protein structure/function; Has not been previously published as pathogenic or benign to our knowledge

NM_024675.4(PALB2):c.967G>T (p.Ala323Ser)

Gene: PALB2 (partner and localizer of BRCA2; minus strand). Cytogenetic location: 16p12.2.
Variant type: single nucleotide variant.
Coding change: c.967G>T on transcript NM_024675.4 (MANE Select); coding-DNA position 967, G replaced by T.
Protein change: p.Ala323Ser; replaces alanine 323 with serine.
Molecular consequence: missense variant. On other transcripts: intron variant (3).
Genome position (GRCh38, 1-based): chr16:23,635,579, C>A on the plus strand (G>T on the coding strand, the complement: PALB2 is on the minus strand). VCF-style: chr16-23635579-C-A. GRCh37 (hg19) VCF-style: chr16-23646900-C-A.
Other names: c.907G>T, p.Ala303Ser (NM_001407296.1); c.967G>T, p.Ala323Ser (NM_001407297.1, NM_001407298.1, NM_001407299.1 and 3 more transcripts); c.82G>T, p.Ala28Ser (NM_001407304.1, NM_001407305.1, NM_001407306.1 and 5 more transcripts); c.48+5531G>T (NM_001407314.1); c.-104-5110G>T (NM_001407313.1, NM_001407312.1); short protein forms A28S, A303S, A323S.
Identifiers: ClinVar variation 3360866 (VCV003360866.1).